The following is an entry in ClinVar:

ClinVar aggregate classification (germline): Uncertain significance (1 of 4 stars; one submission).

Submission:

GeneDx
Classification: Uncertain significance. Last evaluated: 2022-03-18. Review status: criteria provided, single submitter. Criteria: GeneDx Variant Classification Process June 2021. Collection method: clinical testing. Allele origin: germline. Affected: yes.
Comment: Not observed at significant frequency in large population cohorts (gnomAD); In silico analysis supports that this missense variant has a deleterious effect on protein structure/function; Has not been previously published as pathogenic or benign to our knowledge

NM_001256627.2(BRSK2):c.1619A>C (p.Asp540Ala)

Gene: BRSK2 (BR serine/threonine kinase 2; plus strand). Cytogenetic location: 11p15.5.
Variant type: single nucleotide variant.
Coding change: c.1619A>C on transcript NM_001256627.2 (MANE Select); coding-DNA position 1619, A replaced by C.
Protein change: p.Asp540Ala; replaces aspartic acid 540 with alanine.
Molecular consequence: missense variant. On other transcripts: non-coding transcript variant (1).
Genome position (GRCh38, 1-based): chr11:1,454,559, A>C. VCF-style: chr11-1454559-A-C. GRCh37 (hg19) VCF-style: chr11-1475789-A-C.
Other names: c.1619A>C, p.Asp540Ala (NM_001256629.2, NM_003957.4); c.1757A>C, p.Asp586Ala (NM_001256630.1); c.1439A>C, p.Asp480Ala (NM_001282218.2); short protein forms D480A, D540A, D586A.
Identifiers: ClinVar variation 1706173 (VCV001706173.2), dbSNP rs1846238155, ClinGen allele CA379078049.